The following is an entry in ClinVar:

ClinVar aggregate classification (germline): Pathogenic. Review status: criteria provided, multiple submitters, no conflicts (2 of 4 stars). 2 submissions from 2 submitters: Pathogenic (2). Last evaluated 2024-05-04.

Conditions:
Long QT syndrome (LQTS). Identifiers: MedGen C0023976, MeSH D008133, MONDO:0002442. Disease mechanism: loss of function. Inheritance: Various modes of inheritance.

Submissions (2):

Labcorp Genetics (formerly Invitae), Labcorp
Classification: Pathogenic for Long QT syndrome. Last evaluated: 2024-05-04. Review status: criteria provided, single submitter. Criteria: Invitae Variant Classification Sherloc (09022015). Collection method: clinical testing. Allele origin: germline.
Comment: This sequence change creates a premature translational stop signal (p.Asn339Thrfs*21) in the KCNH2 gene. It is expected to result in an absent or disrupted protein product. Loss-of-function variants in KCNH2 are known to be pathogenic (PMID: 10973849, 19862833). This variant is not present in population databases (gnomAD no frequency). This variant has not been reported in the literature in individuals affected with KCNH2-related conditions. ClinVar contains an entry for this variant (Variation ID: 200624). For these reasons, this variant has been classified as Pathogenic.

GeneDx
Classification: Pathogenic. Last evaluated: 2014-02-02. Review status: criteria provided, single submitter. Criteria: GeneDx Variant Classification (06012015). Collection method: clinical testing. Allele origin: germline. Affected: yes.
Comment: Although the c.1014delC mutation in the KCNH2 gene has not been reported to our knowledge, this mutation causes a shift in reading frame starting at codon Asparagine339, changing it to a Threonine, and creating a premature stop codon at position 21 of the new reading frame, denoted p.Asn339ThrfsX21. This mutation is expected to result in either an abnormal, truncated protein product or loss of protein from this allele through nonsense-mediated mRNA decay. Other frameshift mutations in the KCNH2 gene have been reported in association with LQTS. In summary, c.1014delC in the KCNH2 gene is interpreted as a disease-causing mutation.

Literature cited by the submitters: PubMed 10973849 (cited by Labcorp Genetics (formerly Invitae), Labcorp); PubMed 19862833 (cited by Labcorp Genetics (formerly Invitae), Labcorp).

NM_000238.4(KCNH2):c.1014del (p.Asn339fs)

Gene: KCNH2 (potassium voltage-gated channel subfamily H member 2; minus strand). Cytogenetic location: 7q36.1.
Variant type: Deletion.
Coding change: c.1014del on transcript NM_000238.4 (MANE Select); coding-DNA position 1014, one base deleted (C; older notation c.1014delC).
Protein change: p.Asn339fs; shifts the reading frame from asparagine 339.
Molecular consequence: frameshift variant.
Genome position (GRCh38, 1-based): chr7:150,957,405, G deleted on the plus strand (C on the coding strand, the reverse complement: KCNH2 is on the minus strand). VCF-style (leftmost placement, unchanged base first): chr7-150957404-TG-T. GRCh37 (hg19) VCF-style: chr7-150654492-TG-T.
Other names: c.726delC, p.Asn243Thrfs (NM_001406753.1, NM_001406756.1); c.837delC, p.Asn280Thrfs (NM_001406755.1); c.714delC, p.Asn239Thrfs (NM_001406757.1); c.1014delC, p.Asn339Thrfs (NM_172056.3); short protein forms N339fs.
Identifiers: ClinVar variation 200624 (VCV000200624.6), dbSNP rs794728431, ClinGen allele CA004171.